The following is an entry in ClinVar:

ClinVar aggregate classification (germline): Uncertain significance (1 of 4 stars; one submission).

Conditions:
Mucopolysaccharidosis, MPS-III-A (MPS3A). Also called: Mucopolysaccharidosis, type IIIA; mucopolysaccharidosis type 3A; MPS IIIA (Sanfilippo Syndrome Type A); HEPARAN SULFATE SULFATASE DEFICIENCY; Mucopolysaccharidosis type IIIA (Sanfilippo A); SANFILIPPO SYNDROME A. Identifiers: Orphanet 581, Orphanet 79269, MedGen C0086647, MONDO:0009655, OMIM 252900.

gnomAD v4.1: 3 of 1,613,784 alleles (0.00019%); highest among the groups gnomAD compares: African/African-American, 0.0013%; no homozygotes.

Submission:

Labcorp Genetics (formerly Invitae), Labcorp
Classification: Uncertain significance for Mucopolysaccharidosis, MPS-III-A. Last evaluated: 2022-08-16. Review status: criteria provided, single submitter. Criteria: Invitae Variant Classification Sherloc (09022015). Collection method: clinical testing. Allele origin: germline.
Comment: This sequence change replaces histidine, which is basic and polar, with glutamine, which is neutral and polar, at codon 446 of the SGSH protein (p.His446Gln). This variant is present in population databases (rs762208419, gnomAD 0.007%). This variant has not been reported in the literature in individuals affected with SGSH-related conditions. ClinVar contains an entry for this variant (Variation ID: 1403527). Algorithms developed to predict the effect of missense changes on protein structure and function output the following: SIFT: "Tolerated"; PolyPhen-2: "Benign"; Align-GVGD: "Class C0". The glutamine amino acid residue is found in multiple mammalian species, which suggests that this missense change does not adversely affect protein function. In summary, the available evidence is currently insufficient to determine the role of this variant in disease. Therefore, it has been classified as a Variant of Uncertain Significance.

NM_000199.5(SGSH):c.1338C>G (p.His446Gln)

Gene: SGSH (N-sulfoglucosamine sulfohydrolase; minus strand). Cytogenetic location: 17q25.3.
Variant type: single nucleotide variant.
Coding change: c.1338C>G on transcript NM_000199.5 (MANE Select); coding-DNA position 1338, C replaced by G.
Protein change: p.His446Gln; replaces histidine 446 with glutamine.
Molecular consequence: missense variant. On other transcripts: 3 prime UTR variant (2), non-coding transcript variant (1).
Genome position (GRCh38, 1-based): chr17:80,210,623, G>C on the plus strand (C>G on the coding strand, the complement: SGSH is on the minus strand). VCF-style: chr17-80210623-G-C. GRCh37 (hg19) VCF-style: chr17-78184422-G-C.
Other names: c.*425C>G (NM_001352921.3); c.*388C>G (NM_001352922.2); short protein forms H446Q.
Identifiers: ClinVar variation 1403527 (VCV001403527.3), dbSNP rs762208419, ClinGen allele CA8817604.